The following is an entry in ClinVar:

NM_000548.5(TSC2):c.479T>A (p.Leu160Gln)

Gene: TSC2 (TSC complex subunit 2; plus strand). Cytogenetic location: 16p13.3.
Variant type: single nucleotide variant.
Coding change: c.479T>A on transcript NM_000548.5 (MANE Select); coding-DNA position 479, T replaced by A.
Protein change: p.Leu160Gln; replaces leucine 160 with glutamine.
Molecular consequence: missense variant. On other transcripts: intron variant (1).
Genome position (GRCh38, 1-based): chr16:2,054,438, T>A. VCF-style: chr16-2054438-T-A. GRCh37 (hg19) VCF-style: chr16-2104439-T-A.
Other names: c.479T>A, p.Leu160Gln (NM_001077183.3, NM_001114382.3, NM_001363528.2 and 3 more transcripts); c.368T>A, p.Leu123Gln (NM_001318827.2); c.332T>A, p.Leu111Gln (NM_001318829.2); c.512T>A, p.Leu171Gln (NM_001318832.2); c.-1-1758T>A (NM_001318831.2); short protein forms L160Q, L111Q, L123Q, L171Q.
Identifiers: ClinVar variation 468112 (VCV000468112.8), dbSNP rs1555497725, ClinGen allele CA394308591.

ClinVar aggregate classification (germline): Uncertain significance (1 of 4 stars; one submission).

Conditions:
Tuberous sclerosis 2 (TSC2). Identifiers: Orphanet 805, MedGen C1860707, MONDO:0013199, OMIM 613254.

Submission:

Labcorp Genetics (formerly Invitae), Labcorp
Classification: Uncertain significance for Tuberous sclerosis 2. Last evaluated: 2023-02-08. Review status: criteria provided, single submitter. Criteria: Invitae Variant Classification Sherloc (09022015). Collection method: clinical testing. Allele origin: germline.
Comment: ClinVar contains an entry for this variant (Variation ID: 468112). Algorithms developed to predict the effect of missense changes on protein structure and function are either unavailable or do not agree on the potential impact of this missense change (SIFT: "Deleterious"; PolyPhen-2: "Probably Damaging"; Align-GVGD: "Class C0"). In summary, the available evidence is currently insufficient to determine the role of this variant in disease. Therefore, it has been classified as a Variant of Uncertain Significance. This variant has not been reported in the literature in individuals affected with TSC2-related conditions. This sequence change replaces leucine, which is neutral and non-polar, with glutamine, which is neutral and polar, at codon 160 of the TSC2 protein (p.Leu160Gln). This variant is not present in population databases (gnomAD no frequency).